The following is an entry in ClinVar:

ClinVar aggregate classification (germline): Conflicting classifications of pathogenicity. Review status: criteria provided, conflicting classifications (1 of 4 stars). 9 submissions from 9 submitters: Uncertain significance (7); Likely benign (1). 1 of the submissions does not count toward it. Last evaluated 2025-03-11.

Conditions:
Hereditary cancer-predisposing syndrome. Also called: Neoplastic Syndromes, Hereditary; Tumor predisposition; Hereditary neoplastic syndrome; Hereditary Cancer Syndrome. Identifiers: Orphanet 140162, MedGen C0027672, MeSH D009386, MONDO:0015356.
Familial cancer of breast. Also called: BREAST CANCER, FAMILIAL; Hereditary breast cancer; hereditary breast carcinoma. Identifiers: Orphanet 227535, MedGen C0346153, MONDO:0016419, OMIM 114480. Disease mechanism: loss of function.
Fanconi anemia complementation group J. Also called: BRIP1-Related Fanconi Anemia. Identifiers: Orphanet 84, MedGen C1836860, MONDO:0012187, OMIM 609054.
BRIP1-related disorder. Also called: BRIP1-related condition; BRIP1-related disorders. Identifiers: MedGen CN239206.
Malignant tumor of breast. Also called: Cancer breast; Malignant breast neoplasm. Identifiers: MedGen C0006142, MONDO:0007254. Disease mechanism: loss of function.

Allele frequency attached by ClinVar (database versions not stated): gnomAD exomes below 0.00001 and 0.00001; gnomAD 0.00001; TOPMed 0.00001.
gnomAD v4.1: 11 of 1,614,042 alleles (0.00068%); highest among the groups gnomAD compares: African/African-American, 0.0013%; no homozygotes.

Submissions (9):

Ambry Genetics
Classification: Likely benign for Hereditary cancer-predisposing syndrome. Last evaluated: 2025-03-11. Review status: criteria provided, single submitter. Criteria: Ambry Variant Classification Scheme 2023. Collection method: clinical testing. Allele origin: germline.

Labcorp Genetics (formerly Invitae), Labcorp
Classification: Uncertain significance for Familial cancer of breast; Fanconi anemia complementation group J. Last evaluated: 2025-01-29. Review status: criteria provided, single submitter. Criteria: Invitae Variant Classification Sherloc (09022015). Collection method: clinical testing. Allele origin: germline.
Comment: This sequence change replaces histidine, which is basic and polar, with tyrosine, which is neutral and polar, at codon 1088 of the BRIP1 protein (p.His1088Tyr). This variant is present in population databases (no rsID available, gnomAD 0.0009%). This missense change has been observed in individual(s) with clinical features of BRIP1-related conditions (PMID: 25980754, 31159747). ClinVar contains an entry for this variant (Variation ID: 241654). Invitae Evidence Modeling of protein sequence and biophysical properties (such as structural, functional, and spatial information, amino acid conservation, physicochemical variation, residue mobility, and thermodynamic stability) indicates that this missense variant is not expected to disrupt BRIP1 protein function with a negative predictive value of 95%. In summary, the available evidence is currently insufficient to determine the role of this variant in disease. Therefore, it has been classified as a Variant of Uncertain Significance.

Institute for Biomarker Research, Medical Diagnostic Laboratories, L.L.C.
Classification: Uncertain significance for Hereditary cancer-predisposing syndrome. Last evaluated: 2024-12-09. Review status: criteria provided, single submitter. Criteria: ACMG Guidelines, 2015. Collection method: clinical testing. Allele origin: germline.
Comment: The missense variant NM_032043.3(BRIP1):c.3262C>T (p.His1088Tyr) has not been reported previously as a pathogenic variant nor as a benign variant, to our knowledge. There is a moderate physicochemical difference between histidine and tyrosine. The gene BRIP1 has a low rate of benign missense variation as indicated by a high missense variants Z-Score of 2.45. The p.His1088Tyr missense variant is predicted to be tolerated by both SIFT or PolyPhen2. The tyrosine residue at codon 1088 of BRIP1 is present in Mouse and 2 other mammalian species. The nucleotide c.3262 in BRIP1 is not conserved according to a GERP++ and PhyloP analysis of 100 vertebrates. For these reasons, this variant has been classified as Uncertain Significance

Color Diagnostics, LLC DBA Color Health
Classification: Uncertain significance for Hereditary cancer-predisposing syndrome. Last evaluated: 2024-04-09. Review status: criteria provided, single submitter. Criteria: ACMG Guidelines, 2015. Collection method: clinical testing. Allele origin: germline.
Comment: This missense variant replaces histidine with tyrosine at codon 1088 of the BRIP1 protein. Computational prediction suggests that this variant may not impact protein structure and function. To our knowledge, functional studies have not been reported for this variant. This variant has been reported in individuals affected with breast cancer (PMID: 32885271, 33606809), an individual affected with Lynch syndrome-associated cancer and/or polyps (PMID: 25980754), and an individual referred for genetic testing (PMID: 31159747). This variant has been identified in 1/250864 chromosomes in the general population by the Genome Aggregation Database (gnomAD). The available evidence is insufficient to determine the role of this variant in disease conclusively. Therefore, this variant is classified as a Variant of Uncertain Significance.

PreventionGenetics, part of Exact Sciences
Classification: Uncertain significance for BRIP1-related condition. Last evaluated: 2023-09-06. Review status: criteria provided, single submitter. Criteria: ACMG Guidelines, 2015. Collection method: clinical testing. Allele origin: germline.
Comment: The BRIP1 c.3262C>T variant is predicted to result in the amino acid substitution p.His1088Tyr. This variant has been reported in four apparently unique individuals referred for breast cancer or hereditary cancer panel testing; however, these studies did not provide additional evidence to support pathogenicity (Tsaousis et al. 2019. PubMed ID: 31159747; Yurgelun et al. 2015. PubMed ID: 25980754; Lerner-Ellis et al. 2021. PubMed ID: 32885271; Sandoval et al. 2021. PubMed ID: 33606809). This variant is reported in 0.00088% of alleles in individuals of European (Non-Finnish) descent in gnomAD, and it is interpreted as a variant of uncertain significance by several submitters to ClinVar. At this time, the clinical significance of this variant is uncertain due to the absence of conclusive functional and genetic evidence.

GeneDx
Classification: Uncertain significance. Last evaluated: 2023-08-21. Review status: criteria provided, single submitter. Criteria: GeneDx Variant Classification Process June 2021. Collection method: clinical testing. Allele origin: germline. Affected: yes.
Comment: Not observed at a significant frequency in large population cohorts (gnomAD); In silico analysis supports that this missense variant does not alter protein structure/function; This variant is associated with the following publications: (PMID: 26343386, 27376475, 33606809, 25980754, 32885271, 31159747)

Quest Diagnostics Nichols Institute San Juan Capistrano
Classification: Uncertain significance. Last evaluated: 2019-12-12. Review status: criteria provided, single submitter. Criteria: Quest Diagnostics criteria. Collection method: clinical testing. Allele origin: unknown.

GeneKor MSA
Classification: Uncertain significance for Hereditary cancer-predisposing syndrome. Last evaluated: 2018-08-01. Review status: criteria provided, single submitter. Criteria: ACMG Guidelines, 2015. Collection method: clinical testing. Allele origin: germline. Affected: yes.

Department of Pathology and Laboratory Medicine, Sinai Health System
Classification: Uncertain significance for Malignant tumor of breast. Review status: no assertion criteria provided. Collection method: clinical testing. Allele origin: unknown. Affected: yes. Observed: 1 variant allele. Study: The Canadian Open Genetics Repository (COGR). Not counted in ClinVar's aggregate classification.
Comment: The BRIP1 p.His1088Tyr variant was identified in 1 of 2520 proband chromosomes (frequency: 0.0004) from individuals or families with Lynch syndrome (Yurgelun 2015). The variant was also identified in the following databases: dbSNP (ID: rs878855154) as "With Uncertain significance allele", ClinVar (classified as uncertain significance by Invitae, Ambry Genetics and GeneKor). It was identified in control databases in 1 of 246028 chromosomes at a frequency of 0.000004 (Genome Aggregation Database Feb 27, 2017). The variant was observed in the European population in 1 of 111500 chromosomes (freq: 0.000009); it was not observed in the African, Other, Latino, Ashkenazi Jewish, East Asian, Finnish, or South Asian populations. The p.His1088 residue is not conserved in mammals and 5 of 5 computational analyses (PolyPhen-2, SIFT, AlignGVGD, BLOSUM, MutationTaster) do not suggest a high likelihood of impact to the protein; however, this information is not predictive enough to rule out pathogenicity. The variant occurs outside of the splicing consensus sequence and in silico or computational prediction software programs (SpliceSiteFinder, MaxEntScan, NNSPLICE, GeneSplicer) do not predict a difference in splicing. In summary, based on the above information, the clinical significance of this variant cannot be determined with certainty at this time. This variant is classified as a variant of uncertain significance.

Literature cited by the submitters: PubMed 31159747 (cited by 4 submitters); PubMed 32885271 (cited by Ambry Genetics and Color Diagnostics, LLC DBA Color Health); PubMed 33606809 (cited by Ambry Genetics and Color Diagnostics, LLC DBA Color Health); PubMed 25980754 (cited by 3 submitters).

NM_032043.3(BRIP1):c.3262C>T (p.His1088Tyr)

Gene: BRIP1 (BRCA1 interacting DNA helicase 1; minus strand). Cytogenetic location: 17q23.2.
Variant type: single nucleotide variant.
Coding change: c.3262C>T on transcript NM_032043.3 (MANE Select); coding-DNA position 3262, C replaced by T.
Protein change: p.His1088Tyr; replaces histidine 1088 with tyrosine.
Molecular consequence: missense variant.
Genome position (GRCh38, 1-based): chr17:61,683,784, G>A on the plus strand (C>T on the coding strand, the complement: BRIP1 is on the minus strand). VCF-style: chr17-61683784-G-A. GRCh37 (hg19) VCF-style: chr17-59761145-G-A.
Other names: short protein forms H1088Y.
Identifiers: ClinVar variation 241654 (VCV000241654.30), dbSNP rs878855154, ClinGen allele CA10583613.
Genomic context (GRCh38, chr17:61,683,784, plus strand): 5'-CTAGAGACAATTCAATGTCTGGATCCAGGGCTTCTTCAGAACAGAGCGGATGTTCAGAAT[G>A]ATTTTTTCTAGTAAGGGTGGCATCAATCTTTAATGATGAAATAATGGTTTCTGATTGAGG-3'
Protein context (NP_114432.2, residues 1078-1098): KIDATLTRKN[His1088Tyr]SEHPLCSEEA